The following is an entry in ClinVar:

NM_000562.3(C8A):c.1588C>G (p.Gln530Glu)

Gene: C8A (complement C8 alpha chain; plus strand). Cytogenetic location: 1p32.2.
Variant type: single nucleotide variant.
Coding change: c.1588C>G on transcript NM_000562.3 (MANE Select); coding-DNA position 1588, C replaced by G.
Protein change: p.Gln530Glu; replaces glutamine 530 with glutamic acid.
Molecular consequence: missense variant.
Genome position (GRCh38, 1-based): chr1:56,912,610, C>G. VCF-style: chr1-56912610-C-G. GRCh37 (hg19) VCF-style: chr1-57378283-C-G.
Other names: short protein forms Q530E.
Identifiers: ClinVar variation 1427997 (VCV001427997.6), dbSNP rs776071875, ClinGen allele CA875432.

ClinVar aggregate classification (germline): Uncertain significance (1 of 4 stars; one submission).

Allele frequency attached by ClinVar (database versions not stated): ExAC 0.00001.
gnomAD v4.1: 7 of 1,614,014 alleles (0.00043%); highest among the groups gnomAD compares: East Asian, 0.0022%; no homozygotes.

Submission:

Labcorp Genetics (formerly Invitae), Labcorp
Classification: Uncertain significance. Last evaluated: 2023-11-27. Review status: criteria provided, single submitter. Criteria: Invitae Variant Classification Sherloc (09022015). Collection method: clinical testing. Allele origin: germline.
Comment: This sequence change replaces glutamine, which is neutral and polar, with glutamic acid, which is acidic and polar, at codon 530 of the C8A protein (p.Gln530Glu). This variant is present in population databases (rs776071875, gnomAD 0.003%). This variant has not been reported in the literature in individuals affected with C8A-related conditions. ClinVar contains an entry for this variant (Variation ID: 1427997). An algorithm developed to predict the effect of missense changes on protein structure and function (PolyPhen-2) suggests that this variant is likely to be tolerated. In summary, the available evidence is currently insufficient to determine the role of this variant in disease. Therefore, it has been classified as a Variant of Uncertain Significance.